The following is an entry in ClinVar:

ClinVar aggregate classification (germline): Uncertain significance. Review status: criteria provided, multiple submitters, no conflicts (2 of 4 stars). 2 submissions from 2 submitters: Uncertain significance (2). Last evaluated 2025-08-31.

Conditions:
Multiple endocrine neoplasia type 4. Also called: MULTIPLE ENDOCRINE NEOPLASIA, TYPE IV. Identifiers: Orphanet 276152, MedGen C1970712, MONDO:0012552, OMIM 610755.
Hereditary cancer-predisposing syndrome. Also called: Hereditary neoplastic syndrome; Tumor predisposition; Hereditary Cancer Syndrome; Neoplastic Syndromes, Hereditary. Identifiers: Orphanet 140162, MedGen C0027672, MeSH D009386, MONDO:0015356.

Submissions (2):

Ambry Genetics
Classification: Uncertain significance for Hereditary cancer-predisposing syndrome. Last evaluated: 2025-08-31. Review status: criteria provided, single submitter. Criteria: Ambry Variant Classification Scheme 2023. Collection method: clinical testing. Allele origin: germline.
Comment: The p.E54G variant (also known as c.161A>G), located in coding exon 1 of the CDKN1B gene, results from an A to G substitution at nucleotide position 161. The glutamic acid at codon 54 is replaced by glycine, an amino acid with similar properties. This amino acid position is conserved. In addition, the in silico prediction for this alteration is inconclusive. Based on the available evidence, the clinical significance of this variant remains unclear.

Labcorp Genetics (formerly Invitae), Labcorp
Classification: Uncertain significance for Multiple endocrine neoplasia type 4. Last evaluated: 2025-05-21. Review status: criteria provided, single submitter. Criteria: Invitae Variant Classification Sherloc (09022015). Collection method: clinical testing. Allele origin: germline.
Comment: This sequence change replaces glutamic acid, which is acidic and polar, with glycine, which is neutral and non-polar, at codon 54 of the CDKN1B protein (p.Glu54Gly). This variant is not present in population databases (gnomAD no frequency). This variant has not been reported in the literature in individuals affected with CDKN1B-related conditions. ClinVar contains an entry for this variant (Variation ID: 1422186). An algorithm developed to predict the effect of missense changes on protein structure and function (PolyPhen-2) suggests that this variant is likely to be disruptive. In summary, the available evidence is currently insufficient to determine the role of this variant in disease. Therefore, it has been classified as a Variant of Uncertain Significance.

NM_004064.5(CDKN1B):c.161A>G (p.Glu54Gly)

Gene: CDKN1B (cyclin dependent kinase inhibitor 1B; plus strand). Cytogenetic location: 12p13.1.
Variant type: single nucleotide variant.
Coding change: c.161A>G on transcript NM_004064.5 (MANE Select); coding-DNA position 161, A replaced by G.
Protein change: p.Glu54Gly; replaces glutamic acid 54 with glycine.
Molecular consequence: missense variant.
Genome position (GRCh38, 1-based): chr12:12,718,000, A>G. VCF-style: chr12-12718000-A-G. GRCh37 (hg19) VCF-style: chr12-12870934-A-G.
Other names: c.161A>G (NM_004064.3); short protein forms E54G.
Identifiers: ClinVar variation 1422186 (VCV001422186.6), dbSNP rs2136355680, ClinGen allele CA383969106.